The following is an entry in ClinVar:

ClinVar aggregate classification (germline): Uncertain significance (1 of 4 stars; one submission).

Conditions:
Vici syndrome (VICIS). Identifiers: Orphanet 1493, MedGen C1855772, MONDO:0009452, OMIM 242840.

Allele frequency attached by ClinVar (database versions not stated): gnomAD exomes below 0.00001; TOPMed below 0.00001; ExAC 0.00001.
gnomAD v4.1: 1 of 1,592,564 alleles (0.000063%); highest among the groups gnomAD compares: Admixed American, 0.0018%; no homozygotes.

Submission:

Labcorp Genetics (formerly Invitae), Labcorp
Classification: Uncertain significance for Vici syndrome. Last evaluated: 2022-05-05. Review status: criteria provided, single submitter. Criteria: Invitae Variant Classification Sherloc (09022015). Collection method: clinical testing. Allele origin: germline.
Comment: This sequence change replaces phenylalanine, which is neutral and non-polar, with leucine, which is neutral and non-polar, at codon 452 of the EPG5 protein (p.Phe452Leu). In summary, the available evidence is currently insufficient to determine the role of this variant in disease. Therefore, it has been classified as a Variant of Uncertain Significance. Algorithms developed to predict the effect of missense changes on protein structure and function are either unavailable or do not agree on the potential impact of this missense change (SIFT: "Deleterious"; PolyPhen-2: "Probably Damaging"; Align-GVGD: "Class C0"). This variant has not been reported in the literature in individuals affected with EPG5-related conditions. This variant is present in population databases (rs769919323, gnomAD 0.003%).

NM_020964.3(EPG5):c.1356T>G (p.Phe452Leu)

Genes: EPG5 (ectopic P-granules 5 autophagy tethering factor; minus strand), LOC126862737 (P300/CBP strongly-dependent group 1 enhancer GRCh37_chr18:43530707-43531906; plus strand). Cytogenetic location: 18q21.1.
Variant type: single nucleotide variant.
Coding change: c.1356T>G on transcript NM_020964.3 (MANE Select); coding-DNA position 1356, T replaced by G.
Protein change: p.Phe452Leu; replaces phenylalanine 452 with leucine.
Molecular consequence: missense variant.
Genome position (GRCh38, 1-based): chr18:45,951,135, A>C on the plus strand (T>G on the coding strand, the complement: EPG5 is on the minus strand). VCF-style: chr18-45951135-A-C. GRCh37 (hg19) VCF-style: chr18-43531101-A-C.
Other names: c.1356T>G, p.Phe452Leu (NM_001410858.1, NM_001410859.1); short protein forms F452L.
Identifiers: ClinVar variation 2190560 (VCV002190560.4), dbSNP rs769919323, ClinGen allele CA8949753.